The following is an entry in ClinVar:

NM_182641.4(BPTF):c.4210A>G (p.Thr1404Ala)

Gene: BPTF (bromodomain PHD finger transcription factor; plus strand). Cytogenetic location: 17q24.2.
Variant type: single nucleotide variant.
Coding change: c.4210A>G on transcript NM_182641.4 (MANE Select); coding-DNA position 4210, A replaced by G.
Protein change: p.Thr1404Ala; replaces threonine 1404 with alanine.
Molecular consequence: missense variant.
Genome position (GRCh38, 1-based): chr17:67,912,094, A>G. VCF-style: chr17-67912094-A-G. GRCh37 (hg19) VCF-style: chr17-65908210-A-G.
Other names: c.4588A>G, p.Thr1530Ala (NM_004459.7); short protein forms T1404A, T1530A.
Identifiers: ClinVar variation 2878138 (VCV002878138.3), dbSNP rs2062693220, ClinGen allele CA400729032.

ClinVar aggregate classification (germline): Uncertain significance (1 of 4 stars; one submission).

Allele frequency attached by ClinVar (database versions not stated): TOPMed below 0.00001.

Submission:

Labcorp Genetics (formerly Invitae), Labcorp
Classification: Uncertain significance. Last evaluated: 2024-01-09. Review status: criteria provided, single submitter. Criteria: Invitae Variant Classification Sherloc (09022015). Collection method: clinical testing. Allele origin: germline.
Comment: This sequence change replaces threonine, which is neutral and polar, with alanine, which is neutral and non-polar, at codon 1530 of the BPTF protein (p.Thr1530Ala). This variant is not present in population databases (gnomAD no frequency). This variant has not been reported in the literature in individuals affected with BPTF-related conditions. Algorithms developed to predict the effect of missense changes on protein structure and function output the following: SIFT: "Not Available"; PolyPhen-2: "Benign"; Align-GVGD: "Not Available". The alanine amino acid residue is found in multiple mammalian species, which suggests that this missense change does not adversely affect protein function. In summary, the available evidence is currently insufficient to determine the role of this variant in disease. Therefore, it has been classified as a Variant of Uncertain Significance.